The following is an entry in ClinVar:

NM_024426.6(WT1):c.1561G>A (p.Ala521Thr)

Gene: WT1 (WT1 transcription factor; minus strand). Cytogenetic location: 11p13.
Variant type: single nucleotide variant.
Coding change: c.1561G>A on transcript NM_024426.6 (MANE Select); coding-DNA position 1561, G replaced by A.
Protein change: p.Ala521Thr; replaces alanine 521 with threonine.
Molecular consequence: missense variant. On other transcripts: non-coding transcript variant (2).
Genome position (GRCh38, 1-based): chr11:32,389,066, C>T on the plus strand (G>A on the coding strand, the complement: WT1 is on the minus strand). VCF-style: chr11-32389066-C-T. GRCh37 (hg19) VCF-style: chr11-32410612-C-T.
Other names: c.1501G>A, p.Ala501Thr (NM_000378.6); c.901G>A, p.Ala301Thr (NM_001198551.2); c.859G>A, p.Ala287Thr (NM_001198552.2); c.373G>A, p.Ala125Thr (NM_001367854.1); c.1546G>A, p.Ala516Thr (NM_001407044.1); c.1510G>A, p.Ala504Thr (NM_001407045.1); c.1468G>A, p.Ala490Thr (NM_001407046.1); c.1429G>A, p.Ala477Thr (NM_001407047.1); and 9 more; short protein forms A477T, A501T, A521T, A267T, A301T, A445T, A463T, A428T.
Identifiers: ClinVar variation 5032036 (VCV005032036.1).
Genomic context (GRCh38, chr11:32,389,066, plus strand): 5'-AGTTCACACACTGTGCTGCCTGGGACACTGAACGGTCCCCGAGGGAGACCCCTCAAAGCG[C>T]CAGCTGGAGTTTGGTCATGTTTCTCTGATGCATGTTGTGATGGCGGACTAATTCATCTGA-3'
Protein context (NP_077744.4, residues 511-522): HQRNMTKLQL[Ala521Thr]L

ClinVar aggregate classification (germline): Uncertain significance (1 of 4 stars; one submission).

Conditions:
Inborn genetic diseases. Identifiers: MedGen C0950123, MeSH D030342.

Submission:

Ambry Genetics
Classification: Uncertain significance for Inborn genetic diseases. Last evaluated: 2026-07-07. Review status: criteria provided, single submitter. Criteria: Ambry Variant Classification Scheme 2023. Collection method: clinical testing. Allele origin: germline.
Comment: The p.A516T variant (also known as c.1546G>A), located in coding exon 10 of the WT1 gene, results from a G to A substitution at nucleotide position 1546. The alanine at codon 516 is replaced by threonine, an amino acid with similar properties. This amino acid position is conserved. In addition, this alteration is predicted to be tolerated by in silico analysis. Based on the available evidence, the clinical significance of this variant remains unclear.